The following is an entry in ClinVar:

ClinVar aggregate classification (germline): Pathogenic (1 of 4 stars; one submission).

Conditions:
Polycystic kidney disease 2 (PKD2). Also called: POLYCYSTIC KIDNEY DISEASE, ADULT, TYPE II; POLYCYSTIC KIDNEY DISEASE 2 WITH OR WITHOUT POLYCYSTIC LIVER DISEASE; Polycystic Kidney Disease 2, Autosomal Dominant. Identifiers: MedGen C2751306, MONDO:0013131, OMIM 613095.

Submission:

MVZ Medizinische Genetik Mainz
Classification: Pathogenic for Polycystic kidney disease 2. Last evaluated: 2021-12-03. Review status: criteria provided, single submitter. Criteria: UK Practice Guidelines For Variant Classification V4 01 2020. Collection method: clinical testing. Allele origin: germline. Inheritance: Autosomal dominant inheritance. Observed: 1 variant allele.
Comment: ACMG Criteria: PVS1, PM2_SUP, PP4 (ACMG Version 3)

NM_000297.4(PKD2):c.1395T>A (p.Tyr465Ter)

Gene: PKD2 (polycystin 2, transient receptor potential cation channel; plus strand). Cytogenetic location: 4q22.1.
Variant type: single nucleotide variant.
Coding change: c.1395T>A on transcript NM_000297.4 (MANE Select); coding-DNA position 1395, T replaced by A.
Protein change: p.Tyr465Ter; replaces tyrosine 465 with a stop codon.
Molecular consequence: nonsense. On other transcripts: non-coding transcript variant (1).
Genome position (GRCh38, 1-based): chr4:88,046,717, T>A. VCF-style: chr4-88046717-T-A. GRCh37 (hg19) VCF-style: chr4-88967869-T-A.
Other names: short protein forms Y465*.
Identifiers: ClinVar variation 3066128 (VCV003066128.1), dbSNP rs1199709583, ClinGen allele CA357618915.
Genomic context (GRCh38, chr4:88,046,717, plus strand): 5'-CCCAGCAACAGGTGGTGTGATTCCATCTTGGCAATTTCAGCCTTTAAAGCTGATCCGATA[T>A]GTCACAACTTTTGATTTCTTCCTGGCAGCCTGTGAGATTATCTTTTGTTTCTTTATCTTT-3'